The following is an entry in ClinVar:

ClinVar aggregate classification (germline): Pathogenic (1 of 4 stars; one submission).

Conditions:
ERCC2-related disorder. Also called: ERCC2-related conditions; ERCC2-related condition; ERCC2-related disorders. Identifiers: MedGen CN239291.

Submission:

Myriad Genetics, Inc.
Classification: Pathogenic for ERCC2-related disorder. Last evaluated: 2025-02-10. Review status: criteria provided, single submitter. Criteria: Myriad Autosomal Dominant, Autosomal Recessive and X-Linked Classification Criteria (2023). Collection method: clinical testing. Allele origin: unknown.
Comment: NM_000400.3(ERCC2):c.1017C>G(Y339*) is expected to be pathogenic in the context of ERCC2-related disorders. This variant is predicted to lead to an abnormal or absent protein product due to the creation of a premature termination codon in ERCC2, a gene where loss-of-function variants are known to be pathogenic. Please note: this variant was assessed in the context of healthy population screening.

NM_000400.4(ERCC2):c.1017C>G (p.Tyr339Ter)

Gene: ERCC2 (ERCC excision repair 2, TFIIH core complex helicase subunit; minus strand). Cytogenetic location: 19q13.32.
Variant type: single nucleotide variant.
Coding change: c.1017C>G on transcript NM_000400.4 (MANE Select); coding-DNA position 1017, C replaced by G.
Protein change: p.Tyr339Ter; replaces tyrosine 339 with a stop codon.
Molecular consequence: nonsense. On other transcripts: non-coding transcript variant (3).
Genome position (GRCh38, 1-based): chr19:45,363,844, G>C on the plus strand (C>G on the coding strand, the complement: ERCC2 is on the minus strand). VCF-style: chr19-45363844-G-C. GRCh37 (hg19) VCF-style: chr19-45867102-G-C.
Other names: c.945C>G, p.Tyr315Ter (NM_001130867.2, NM_001440355.1); c.939C>G, p.Tyr313Ter (NM_001440356.1); c.894C>G, p.Tyr298Ter (NM_001440357.1); short protein forms Y298*, Y313*, Y315*, Y339*.
Identifiers: ClinVar variation 5014086 (VCV005014086.1).